The following is an entry in ClinVar:

NM_004628.5(XPC):c.658C>T (p.Arg220Ter)

Gene: XPC (XPC complex subunit, DNA damage recognition and repair factor; minus strand). Cytogenetic location: 3p25.1.
Variant type: single nucleotide variant.
Coding change: c.658C>T on transcript NM_004628.5 (MANE Select); coding-DNA position 658, C replaced by T.
Protein change: p.Arg220Ter; replaces arginine 220 with a stop codon.
Molecular consequence: nonsense. On other transcripts: non-coding transcript variant (2).
Genome position (GRCh38, 1-based): chr3:14,165,549, G>A on the plus strand (C>T on the coding strand, the complement: XPC is on the minus strand). VCF-style: chr3-14165549-G-A. GRCh37 (hg19) VCF-style: chr3-14207049-G-A.
Other names: c.79C>T, p.Arg27Ter (NM_001354726.2); c.658C>T, p.Arg220Ter (NM_001354727.2, NM_001354730.2); c.640C>T, p.Arg214Ter (NM_001354729.2); short protein forms R220*, R27*, R214*.
Identifiers: ClinVar variation 550020 (VCV000550020.14), dbSNP rs745679643, ClinGen allele CA2267625.

ClinVar aggregate classification (germline): Pathogenic. Review status: criteria provided, multiple submitters, no conflicts (2 of 4 stars). 5 submissions from 5 submitters: Pathogenic (4). 1 of the submissions does not count toward it. Last evaluated 2024-12-09.

Conditions:
Xeroderma pigmentosum (XP). Identifiers: Orphanet 910, MedGen C0043346, MONDO:0019600.
XPC-related disorder. Also called: XPC-related condition.
Xeroderma pigmentosum, group C (XPC). Also called: Xeroderma pigmentosum, complementation group C; XPC-Related Xeroderma Pigmentosum; XERODERMA PIGMENTOSUM III; XP, GROUP C. Identifiers: Orphanet 910, MedGen C2752147, MONDO:0010211, OMIM 278720.

Allele frequency attached by ClinVar (database versions not stated): TOPMed below 0.00001; gnomAD 0.00001; ExAC 0.00002; gnomAD exomes 0.00002.
gnomAD v4.1: 26 of 1,612,820 alleles (0.0016%); highest among the groups gnomAD compares: South Asian, 0.0022%; no homozygotes.

Submissions (5):

Labcorp Genetics (formerly Invitae), Labcorp
Classification: Pathogenic. Last evaluated: 2024-12-09. Review status: criteria provided, single submitter. Criteria: Invitae Variant Classification Sherloc (09022015). Collection method: clinical testing. Allele origin: germline.
Comment: This sequence change creates a premature translational stop signal (p.Arg220*) in the XPC gene. It is expected to result in an absent or disrupted protein product. Loss-of-function variants in XPC are known to be pathogenic (PMID: 23173980, 25256075). This variant is present in population databases (rs745679643, gnomAD 0.004%). This premature translational stop signal has been observed in individual(s) with xeroderma pigmentosum (PMID: 10766188). ClinVar contains an entry for this variant (Variation ID: 550020). For these reasons, this variant has been classified as Pathogenic.

Baylor Genetics
Classification: Pathogenic for Xeroderma pigmentosum, group C. Last evaluated: 2024-03-18. Review status: criteria provided, single submitter. Criteria: ACMG Guidelines, 2015. Collection method: clinical testing. Allele origin: unknown.

Blueprint Genetics
Classification: Pathogenic for XPC-related disorders. Last evaluated: 2023-12-21. Review status: criteria provided, single submitter. Criteria: ACMG Guidelines, 2015. Collection method: clinical testing. Allele origin: germline. Affected: yes. Observed: 5 variant alleles.

Women's Health and Genetics/Laboratory Corporation of America, LabCorp
Classification: Pathogenic for Xeroderma pigmentosum. Last evaluated: 2020-06-26. Review status: criteria provided, single submitter. Criteria: LabCorp Variant Classification Summary - May 2015. Collection method: clinical testing. Allele origin: germline.
Comment: Variant summary: XPC c.658C>T (p.Arg220X) results in a premature termination codon, predicted to cause a truncation of the encoded protein or absence of the protein due to nonsense mediated decay, which are commonly known mechanisms for disease. Truncations downstream of this position have been classified as pathogenic by our laboratory. The variant allele was found at a frequency of 2e-05 in 247090 control chromosomes. c.658C>T has been reported in the literature in multiple individuals affected with Xeroderma Pigmentosum and has also been subsequently cited by others (example, Chavanne_2000, Soufir_2010, Hadj-Rabia_2013, Fassihi_2016, McDaniel_2007, Rivera-Begeman_2007). These data indicate that the variant is very likely to be associated with disease. At least one publication reports experimental evidence evaluating an impact on protein function (Chavanne_2000). The most pronounced variant effect results in <10% of normal activity in repair synthesis ability. One clinical diagnostic laboratory has submitted clinical-significance assessments for this variant to ClinVar after 2014 without evidence for independent evaluation and classified the variant as pathogenic. Based on the evidence outlined above, the variant was classified as pathogenic.

Counsyl
Classification: Pathogenic for Xeroderma pigmentosum, group C. Last evaluated: 2017-12-29. Review status: no assertion criteria provided. Collection method: clinical testing. Allele origin: unknown. Not counted in ClinVar's aggregate classification.

Literature cited by the submitters: PubMed 23173980 (cited by Labcorp Genetics (formerly Invitae), Labcorp); PubMed 25256075 (cited by Labcorp Genetics (formerly Invitae), Labcorp); PubMed 10766188 (cited by 3 submitters); PubMed 17079196 (cited by Women's Health and Genetics/Laboratory Corporation of America, LabCorp); PubMed 26884178 (cited by Women's Health and Genetics/Laboratory Corporation of America, LabCorp); PubMed 17084680 (cited by Women's Health and Genetics/Laboratory Corporation of America, LabCorp); PubMed 20054342 (cited by Women's Health and Genetics/Laboratory Corporation of America, LabCorp and Counsyl); PubMed 23278166 (cited by Women's Health and Genetics/Laboratory Corporation of America, LabCorp); PubMed 25525159 (cited by Counsyl).